The following is an entry in ClinVar:

NM_003036.4(SKI):c.100G>T (p.Gly34Cys)

Gene: SKI (SKI proto-oncogene; plus strand). Cytogenetic location: 1p36.33.
Variant type: single nucleotide variant.
Coding change: c.100G>T on transcript NM_003036.4 (MANE Select); coding-DNA position 100, G replaced by T.
Protein change: p.Gly34Cys; replaces glycine 34 with cysteine.
Molecular consequence: missense variant.
Genome position (GRCh38, 1-based): chr1:2,228,866, G>T. VCF-style: chr1-2228866-G-T. GRCh37 (hg19) VCF-style: chr1-2160305-G-T.
Other names: short protein forms G34C.
Identifiers: ClinVar variation 37262 (VCV000037262.46), dbSNP rs387907306, ClinGen allele CA260609.

ClinVar aggregate classification (germline): Pathogenic. Review status: criteria provided, multiple submitters, no conflicts (2 of 4 stars). 5 submissions from 5 submitters: Pathogenic (4). 1 of the submissions does not count toward it. Last evaluated 2021-05-08.

Conditions:
Inborn genetic diseases. Identifiers: MedGen C0950123, MeSH D030342.
Shprintzen-Goldberg syndrome (SGS). Also called: SHPRINTZEN-GOLDBERG CRANIOSYNOSTOSIS SYNDROME; Marfanoid disorder with craniosynostosis type 1; Marfanoid craniosynostosis syndrome; Shprintzen-Goldberg marfanoid syndrome; CRANIOSYNOSTOSIS WITH ARACHNODACTYLY AND ABDOMINAL HERNIAS. Identifiers: Orphanet 2462, MedGen C1321551, MONDO:0008426, OMIM 182212.

Allele frequency attached by ClinVar (database versions not stated): gnomAD exomes below 0.00001.
gnomAD v4.1: 1 of 1,429,646 alleles (0.00007%); highest among the groups gnomAD compares: Non-Finnish European, 0.000092%; no homozygotes.

Submissions (5):

Labcorp Genetics (formerly Invitae), Labcorp
Classification: Pathogenic for Shprintzen-Goldberg syndrome. Last evaluated: 2021-05-08. Review status: criteria provided, single submitter. Criteria: Invitae Variant Classification Sherloc (09022015). Collection method: clinical testing. Allele origin: germline.
Comment: This sequence change replaces glycine with cysteine at codon 34 of the SKI protein (p.Gly34Cys). The glycine residue is moderately conserved and there is a large physicochemical difference between glycine and cysteine. The frequency data for this variant in the population databases is considered unreliable, as metrics indicate insufficient coverage at this position in the ExAC database. This variant has been observed in individual(s) with Shprintzen-Goldberg syndrome (PMID: 23023332, 23103230). In at least one individual the variant was observed to be de novo. ClinVar contains an entry for this variant (Variation ID: 37262). This variant disrupts the p.Gly34 amino acid residue in SKI. Other variant(s) that disrupt this residue have been determined to be pathogenic (PMID: 23023332, 23103230, 24736733). This suggests that this residue is clinically significant, and that variants that disrupt this residue are likely to be disease-causing. For these reasons, this variant has been classified as Pathogenic. Advanced modeling of protein sequence and biophysical properties (such as structural, functional, and spatial information, amino acid conservation, physicochemical variation, residue mobility, and thermodynamic stability) performed at Invitae indicates that this missense variant is expected to disrupt SKI protein function.

CeGaT Center for Human Genetics Tuebingen
Classification: Pathogenic. Last evaluated: 2021-04-01. Review status: criteria provided, single submitter. Criteria: CeGaT Center For Human Genetics Tuebingen Variant Classification Criteria Version 2. Collection method: clinical testing. Allele origin: germline. Affected: yes. Observed: 1 variant allele.

Ambry Genetics
Classification: Pathogenic for Inborn genetic diseases. Last evaluated: 2017-11-06. Review status: criteria provided, single submitter. Criteria: Ambry exome assertion method (8-5-2015). Collection method: clinical testing. Allele origin: germline. Affected: yes. Observed: 1 variant allele.

Baylor-Hopkins Center for Mendelian Genomics, Johns Hopkins University School of Medicine
Classification: Pathogenic for Shprintzen-Goldberg syndrome. Review status: criteria provided, single submitter. Criteria: Submitter's publication. Collection method: research. Allele origin: de novo. Affected: yes. Observed: 1 heterozygote.

OMIM
Classification: Pathogenic for SHPRINTZEN-GOLDBERG CRANIOSYNOSTOSIS SYNDROME. Last evaluated: 2012-11-02. Review status: no assertion criteria provided. Collection method: literature only. Allele origin: germline. Not counted in ClinVar's aggregate classification.

Literature cited by the submitters: PubMed 23023332 (cited by 3 submitters); PubMed 23103230 (cited by 3 submitters); PubMed 24736733 (cited by Labcorp Genetics (formerly Invitae), Labcorp and Ambry Genetics).